The following is an entry in ClinVar:

ClinVar aggregate classification (germline): Uncertain significance (1 of 4 stars; one submission).

Allele frequency attached by ClinVar (database versions not stated): gnomAD 0.00001; gnomAD exomes below 0.00001; ExAC 0.00001; TOPMed 0.00002.
gnomAD v4.1: 2 of 1,614,146 alleles (0.00012%); highest among the groups gnomAD compares: African/African-American, 0.0027%; no homozygotes.

Submission:

Labcorp Genetics (formerly Invitae), Labcorp
Classification: Uncertain significance. Last evaluated: 2021-10-05. Review status: criteria provided, single submitter. Criteria: Invitae Variant Classification Sherloc (09022015). Collection method: clinical testing. Allele origin: germline.
Comment: This sequence change replaces tryptophan with arginine at codon 2140 of the NBAS protein (p.Trp2140Arg). The tryptophan residue is highly conserved and there is a moderate physicochemical difference between tryptophan and arginine. This variant is present in population databases (rs774415864, ExAC 0.01%). This variant has not been reported in the literature in individuals affected with NBAS-related conditions. Algorithms developed to predict the effect of missense changes on protein structure and function (SIFT, PolyPhen-2, Align-GVGD) all suggest that this variant is likely to be disruptive. In summary, the available evidence is currently insufficient to determine the role of this variant in disease. Therefore, it has been classified as a Variant of Uncertain Significance.

NM_015909.4(NBAS):c.6418T>C (p.Trp2140Arg)

Gene: NBAS (NBAS subunit of NRZ tethering complex; minus strand). Cytogenetic location: 2p24.3.
Variant type: single nucleotide variant.
Coding change: c.6418T>C on transcript NM_015909.4 (MANE Select); coding-DNA position 6418, T replaced by C.
Protein change: p.Trp2140Arg; replaces tryptophan 2140 with arginine.
Molecular consequence: missense variant.
Genome position (GRCh38, 1-based): chr2:15,218,787, A>G on the plus strand (T>C on the coding strand, the complement: NBAS is on the minus strand). VCF-style: chr2-15218787-A-G. GRCh37 (hg19) VCF-style: chr2-15358911-A-G.
Other names: short protein forms W2140R.
Identifiers: ClinVar variation 1393881 (VCV001393881.3), dbSNP rs774415864, ClinGen allele CA1535018.